The following is an entry in ClinVar:

NM_001365951.3(KIF1B):c.1969G>A (p.Val657Met)

Gene: KIF1B (kinesin family member 1B; plus strand). Cytogenetic location: 1p36.22.
Variant type: single nucleotide variant.
Coding change: c.1969G>A on transcript NM_001365951.3 (MANE Select); coding-DNA position 1969, G replaced by A.
Protein change: p.Val657Met; replaces valine 657 with methionine.
Molecular consequence: missense variant.
Genome position (GRCh38, 1-based): chr1:10,297,004, G>A. VCF-style: chr1-10297004-G-A. GRCh37 (hg19) VCF-style: chr1-10357062-G-A.
Other names: c.1969G>A, p.Val657Met (NM_001365952.1); c.1831G>A, p.Val611Met (NM_001365953.1, NM_015074.3, NM_183416.4); short protein forms V611M, V657M.
Identifiers: ClinVar variation 2448777 (VCV002448777.5), dbSNP rs2521402701, ClinGen allele CA338317034.
Genomic context (GRCh38, chr1:10,297,004, plus strand): 5'-CCGGAACAAGCACGAGCTGAGCGAGAGAAGACTCCTTCTGCTGAGACCCCCTCTGAGCCT[G>A]TGGACTGGACATTTGCCCAGAGGGAGCTTCTGGAAAAACAAGGAATTGATATGAAACAAG-3'
Protein context (NP_001352880.1, residues 647-667): TPSAETPSEP[Val657Met]DWTFAQRELL

ClinVar aggregate classification (germline): Uncertain significance. Review status: criteria provided, multiple submitters, no conflicts (2 of 4 stars). 2 submissions from 2 submitters: Uncertain significance (2). Last evaluated 2023-12-23.

Conditions:
Charcot-Marie-Tooth disease type 2. Also called: Charcot-Marie-Tooth type 2. Identifiers: Orphanet 64746, MedGen C0270914, MONDO:0018993.

Allele frequency attached by ClinVar (database versions not stated): gnomAD exomes below 0.00001.

Submissions (2):

Labcorp Genetics (formerly Invitae), Labcorp
Classification: Uncertain significance for Charcot-Marie-Tooth disease type 2. Last evaluated: 2023-12-23. Review status: criteria provided, single submitter. Criteria: Invitae Variant Classification Sherloc (09022015). Collection method: clinical testing. Allele origin: germline.
Comment: This sequence change replaces valine, which is neutral and non-polar, with methionine, which is neutral and non-polar, at codon 611 of the KIF1B protein (p.Val611Met). This variant is not present in population databases (gnomAD no frequency). This variant has not been reported in the literature in individuals affected with KIF1B-related conditions. ClinVar contains an entry for this variant (Variation ID: 2448777). Advanced modeling of protein sequence and biophysical properties (such as structural, functional, and spatial information, amino acid conservation, physicochemical variation, residue mobility, and thermodynamic stability) performed at Invitae indicates that this missense variant is not expected to disrupt KIF1B protein function with a negative predictive value of 80%. In summary, the available evidence is currently insufficient to determine the role of this variant in disease. Therefore, it has been classified as a Variant of Uncertain Significance.

Ambry Genetics
Classification: Uncertain significance. Last evaluated: 2023-02-16. Review status: criteria provided, single submitter. Criteria: Ambry Variant Classification Scheme 2023. Collection method: clinical testing. Allele origin: germline.
Comment: The p.V611M variant (also known as c.1831G>A), located in coding exon 18 of the KIF1B gene, results from a G to A substitution at nucleotide position 1831. The valine at codon 611 is replaced by methionine, an amino acid with highly similar properties. This amino acid position is conserved. In addition, the in silico prediction for this alteration is inconclusive. Since supporting evidence is limited at this time, the clinical significance of this alteration remains unclear.